The following is an entry in ClinVar:

NM_001041.4(SI):c.474C>G (p.Phe158Leu)

Gene: SI (sucrase-isomaltase; minus strand). Cytogenetic location: 3q26.1.
Variant type: single nucleotide variant.
Coding change: c.474C>G on transcript NM_001041.4 (MANE Select); coding-DNA position 474, C replaced by G.
Protein change: p.Phe158Leu; replaces phenylalanine 158 with leucine.
Molecular consequence: missense variant.
Genome position (GRCh38, 1-based): chr3:165,068,731, G>C on the plus strand (C>G on the coding strand, the complement: SI is on the minus strand). VCF-style: chr3-165068731-G-C. GRCh37 (hg19) VCF-style: chr3-164786519-G-C.
Other names: short protein forms F158L.
Identifiers: ClinVar variation 2081039 (VCV002081039.4), dbSNP rs2473436371, ClinGen allele CA355034772.

ClinVar aggregate classification (germline): Uncertain significance (1 of 4 stars; one submission).

Submission:

Labcorp Genetics (formerly Invitae), Labcorp
Classification: Uncertain significance. Last evaluated: 2023-10-13. Review status: criteria provided, single submitter. Criteria: Invitae Variant Classification Sherloc (09022015). Collection method: clinical testing. Allele origin: germline.
Comment: This sequence change replaces phenylalanine, which is neutral and non-polar, with leucine, which is neutral and non-polar, at codon 158 of the SI protein (p.Phe158Leu). This variant is not present in population databases (gnomAD no frequency). This variant has not been reported in the literature in individuals affected with SI-related conditions. ClinVar contains an entry for this variant (Variation ID: 2081039). Algorithms developed to predict the effect of missense changes on protein structure and function output the following: SIFT: "Not Available"; PolyPhen-2: "Benign"; Align-GVGD: "Not Available". The leucine amino acid residue is found in multiple mammalian species, which suggests that this missense change does not adversely affect protein function. In summary, the available evidence is currently insufficient to determine the role of this variant in disease. Therefore, it has been classified as a Variant of Uncertain Significance.